The following is an entry in ClinVar:

ClinVar aggregate classification (germline): Uncertain significance. Review status: criteria provided, multiple submitters, no conflicts (2 of 4 stars). 2 submissions from 2 submitters: Uncertain significance (2). Last evaluated 2026-03-18.

Conditions:
POLD1-related polyposis and colorectal cancer syndrome (CRCS10). Also called: Colorectal cancer, susceptibility to, 10; Colorectal cancer 10; COLORECTAL CANCER, SUSCEPTIBILITY TO, ON CHROMOSOME 19q. Identifiers: Orphanet 220460, MedGen C2675481, MONDO:0012953, OMIM 612591.
Hereditary cancer-predisposing syndrome. Also called: Neoplastic Syndromes, Hereditary; Hereditary neoplastic syndrome; Hereditary Cancer Syndrome; Tumor predisposition. Identifiers: Orphanet 140162, MedGen C0027672, MeSH D009386, MONDO:0015356.

Submissions (2):

Ambry Genetics
Classification: Uncertain significance for Hereditary cancer-predisposing syndrome. Last evaluated: 2026-03-18. Review status: criteria provided, single submitter. Criteria: Ambry Variant Classification Scheme 2023. Collection method: clinical testing. Allele origin: germline.
Comment: The p.E729G variant (also known as c.2186A>G), located in coding exon 17 of the POLD1 gene, results from an A to G substitution at nucleotide position 2186. The glutamic acid at codon 729 is replaced by glycine, an amino acid with similar properties. This amino acid position is highly conserved in available vertebrate species. In addition, the in silico prediction for this alteration is inconclusive. Based on the available evidence, the clinical significance of this variant remains unclear.

Labcorp Genetics (formerly Invitae), Labcorp
Classification: Uncertain significance for POLD1-related polyposis and colorectal cancer syndrome. Last evaluated: 2022-02-10. Review status: criteria provided, single submitter. Criteria: Invitae Variant Classification Sherloc (09022015). Collection method: clinical testing. Allele origin: germline.
Comment: Algorithms developed to predict the effect of missense changes on protein structure and function are either unavailable or do not agree on the potential impact of this missense change (SIFT: "Tolerated"; PolyPhen-2: "Probably Damaging"; Align-GVGD: "Class C0"). ClinVar contains an entry for this variant (Variation ID: 407961). This variant has not been reported in the literature in individuals affected with POLD1-related conditions. This variant is not present in population databases (gnomAD no frequency). This sequence change replaces glutamic acid, which is acidic and polar, with glycine, which is neutral and non-polar, at codon 729 of the POLD1 protein (p.Glu729Gly). In summary, the available evidence is currently insufficient to determine the role of this variant in disease. Therefore, it has been classified as a Variant of Uncertain Significance.

NM_002691.4(POLD1):c.2186A>G (p.Glu729Gly)

Gene: POLD1 (DNA polymerase delta 1, catalytic subunit; plus strand). Cytogenetic location: 19q13.33.
Variant type: single nucleotide variant.
Coding change: c.2186A>G on transcript NM_002691.4 (MANE Select); coding-DNA position 2186, A replaced by G.
Protein change: p.Glu729Gly; replaces glutamic acid 729 with glycine.
Molecular consequence: missense variant. On other transcripts: non-coding transcript variant (1).
Genome position (GRCh38, 1-based): chr19:50,413,457, A>G. VCF-style: chr19-50413457-A-G. GRCh37 (hg19) VCF-style: chr19-50916714-A-G.
Other names: c.2186A>G, p.Glu729Gly (NM_001256849.1); c.2264A>G, p.Glu755Gly (NM_001308632.1); c.2186A>G (NM_002691.2); short protein forms E755G, E729G.
Identifiers: ClinVar variation 407961 (VCV000407961.9), dbSNP rs1060501804, ClinGen allele CA16616157.